The following is an entry in ClinVar:

NM_000843.4(GRM6):c.2318G>A (p.Arg773His)

Genes: GRM6 (glutamate metabotropic receptor 6; minus strand), ZNF454 (zinc finger protein 454; plus strand). Cytogenetic location: 5q35.3.
Variant type: single nucleotide variant.
Coding change: c.2318G>A on transcript NM_000843.4 (MANE Select); coding-DNA position 2318, G replaced by A.
Protein change: p.Arg773His; replaces arginine 773 with histidine.
Molecular consequence: missense variant.
Genome position (GRCh38, 1-based): chr5:178,983,028, C>T on the plus strand (G>A on the coding strand, the complement: GRM6 is on the minus strand). VCF-style: chr5-178983028-C-T. GRCh37 (hg19) VCF-style: chr5-178410029-C-T.
Other names: short protein forms R773H.
Identifiers: ClinVar variation 1010829 (VCV001010829.7), dbSNP rs370201169, ClinGen allele CA3593569.

ClinVar aggregate classification (germline): Uncertain significance. Review status: criteria provided, multiple submitters, no conflicts (2 of 4 stars). 2 submissions from 2 submitters: Uncertain significance (2). Last evaluated 2023-05-12.

Allele frequency attached by ClinVar (database versions not stated): gnomAD 0.00002; gnomAD exomes 0.00004; TOPMed 0.00004; ExAC 0.00006; ESP Exome Variant Server 0.00008.
gnomAD v4.1: 45 of 1,613,874 alleles (0.0028%); highest among the groups gnomAD compares: East Asian, 0.0045%; no homozygotes.

Submissions (2):

Blueprint Genetics
Classification: Uncertain significance. Last evaluated: 2023-05-12. Review status: criteria provided, single submitter. Criteria: ACMG Guidelines, 2015. Collection method: clinical testing. Allele origin: germline.

Labcorp Genetics (formerly Invitae), Labcorp
Classification: Uncertain significance. Last evaluated: 2022-04-06. Review status: criteria provided, single submitter. Criteria: Invitae Variant Classification Sherloc (09022015). Collection method: clinical testing. Allele origin: germline.
Comment: This sequence change replaces arginine, which is basic and polar, with histidine, which is basic and polar, at codon 773 of the GRM6 protein (p.Arg773His). This variant is present in population databases (rs370201169, gnomAD 0.006%). This variant has not been reported in the literature in individuals affected with GRM6-related conditions. ClinVar contains an entry for this variant (Variation ID: 1010829). Advanced modeling of protein sequence and biophysical properties (such as structural, functional, and spatial information, amino acid conservation, physicochemical variation, residue mobility, and thermodynamic stability) performed at Invitae indicates that this missense variant is expected to disrupt GRM6 protein function. In summary, the available evidence is currently insufficient to determine the role of this variant in disease. Therefore, it has been classified as a Variant of Uncertain Significance.